The following is an entry in ClinVar:

NM_031885.5(BBS2):c.619A>G (p.Thr207Ala)

Gene: BBS2 (Bardet-Biedl syndrome 2; minus strand). Cytogenetic location: 16q13.
Variant type: single nucleotide variant.
Coding change: c.619A>G on transcript NM_031885.5 (MANE Select); coding-DNA position 619, A replaced by G.
Protein change: p.Thr207Ala; replaces threonine 207 with alanine.
Molecular consequence: missense variant. On other transcripts: non-coding transcript variant (5).
Genome position (GRCh38, 1-based): chr16:56,506,218, T>C on the plus strand (A>G on the coding strand, the complement: BBS2 is on the minus strand). VCF-style: chr16-56506218-T-C. GRCh37 (hg19) VCF-style: chr16-56540130-T-C.
Other names: c.619A>G, p.Thr207Ala (NM_001377456.1); short protein forms T207A.
Identifiers: ClinVar variation 1489540 (VCV001489540.3), dbSNP rs1183364786, ClinGen allele CA395983341.

ClinVar aggregate classification (germline): Uncertain significance (1 of 4 stars; one submission).

Conditions:
Bardet-Biedl syndrome (BBS). Identifiers: Orphanet 110, MedGen C0752166, MONDO:0015229.

Allele frequency attached by ClinVar (database versions not stated): gnomAD exomes below 0.00001 and 0.00001.
gnomAD v4.1: 2 of 1,612,548 alleles (0.00012%); highest among the groups gnomAD compares: Admixed American, 0.0033%; no homozygotes.

Submission:

Labcorp Genetics (formerly Invitae), Labcorp
Classification: Uncertain significance for Bardet-Biedl syndrome. Last evaluated: 2022-06-24. Review status: criteria provided, single submitter. Criteria: Invitae Variant Classification Sherloc (09022015). Collection method: clinical testing. Allele origin: germline.
Comment: This sequence change replaces threonine, which is neutral and polar, with alanine, which is neutral and non-polar, at codon 207 of the BBS2 protein (p.Thr207Ala). This variant is present in population databases (no rsID available, gnomAD 0.006%). This variant has not been reported in the literature in individuals affected with BBS2-related conditions. Algorithms developed to predict the effect of missense changes on protein structure and function are either unavailable or do not agree on the potential impact of this missense change (SIFT: "Deleterious"; PolyPhen-2: "Benign"; Align-GVGD: "Class C55"). In summary, the available evidence is currently insufficient to determine the role of this variant in disease. Therefore, it has been classified as a Variant of Uncertain Significance.